The following is an entry in ClinVar:

NM_000278.5(PAX2):c.214TAC[3] (p.Tyr73_Glu74insTyr)

Gene: PAX2 (paired box 2; plus strand). Cytogenetic location: 10q24.31.
Variant type: Microsatellite.
Coding change: c.214TAC[3] on transcript NM_000278.5 (MANE Select); three copies in a row of the 3-base unit TAC starting at c.214; the reference has two copies in a row; one copy, 3 bases duplicated.
Protein change: p.Tyr73_Glu74insTyr.
Genome position (GRCh38, 1-based): chr10:100,750,698-100,750,700, TAC duplicated; duplicating any 3 consecutive bases within chr10:100,750,695-100,750,700 gives the same sequence; the position shown is the placement nearest the transcript's 3' end. VCF-style (leftmost placement, unchanged base first): chr10-100750694-G-GTAC. GRCh37 (hg19) VCF-style: chr10-102510451-G-GTAC.
Other names: c.307TAC[3], p.Tyr104_Glu105insTyr (NM_001304569.2); c.214TAC[3], p.Tyr73_Glu74insTyr (NM_003987.5, NM_003988.5, NM_003989.5 and 1 more transcripts).
Identifiers: ClinVar variation 3907698 (VCV003907698.1).

ClinVar aggregate classification (germline): Uncertain significance (1 of 4 stars; one submission).

Conditions:
Focal segmental glomerulosclerosis 7 (FSGS7). Identifiers: Orphanet 656, MedGen C4014925, MONDO:0014451, OMIM 616002.

Submission:

MVZ Medizinische Genetik Mainz
Classification: Uncertain significance for Focal segmental glomerulosclerosis 7. Last evaluated: 2025-06-05. Review status: criteria provided, single submitter. Criteria: UK Practice Guidelines For Variant Classification V4 01 2020. Collection method: clinical testing. Allele origin: germline. Inheritance: Autosomal dominant inheritance. Affected: yes. Observed: 1 variant allele.
Comment: ACMG Criteria: PM2_SUP,PM4_SUP,PP3